The following is an entry in ClinVar:

ClinVar aggregate classification (germline): Likely benign (1 of 4 stars; one submission).

gnomAD v4.1: 8 of 1,612,884 alleles (0.0005%); highest among the groups gnomAD compares: Non-Finnish European, 0.00068%; no homozygotes.

Submission:

CeGaT Center for Human Genetics Tuebingen
Classification: Likely benign. Last evaluated: 2024-07-01. Review status: criteria provided, single submitter. Criteria: CeGaT Center For Human Genetics Tuebingen Variant Classification Criteria Version 2. Collection method: clinical testing. Allele origin: germline. Affected: yes. Observed: 1 variant allele.
Comment: KMT2C: BP4, BP7

NM_170606.3(KMT2C):c.5154G>A (p.Arg1718=)

Gene: KMT2C (lysine methyltransferase 2C; minus strand). Cytogenetic location: 7q36.1.
Variant type: single nucleotide variant.
Coding change: c.5154G>A on transcript NM_170606.3 (MANE Select); coding-DNA position 5154, G replaced by A.
Protein change: p.Arg1718=; no amino-acid change (arginine 1718 retained).
Molecular consequence: synonymous variant.
Genome position (GRCh38, 1-based): chr7:152,183,085, C>T on the plus strand (G>A on the coding strand, the complement: KMT2C is on the minus strand). VCF-style: chr7-152183085-C-T. GRCh37 (hg19) VCF-style: chr7-151880170-C-T.
Identifiers: ClinVar variation 3257217 (VCV003257217.17).